The following is an entry in ClinVar:

NM_003790.3(TNFRSF25):c.1047G>A (p.Glu349=)

Gene: TNFRSF25 (TNF receptor superfamily member 25; minus strand). Cytogenetic location: 1p36.31.
Variant type: single nucleotide variant.
Coding change: c.1047G>A on transcript NM_003790.3 (MANE Select); coding-DNA position 1047, G replaced by A.
Protein change: p.Glu349=; no amino-acid change (glutamic acid 349 retained).
Molecular consequence: synonymous variant.
Genome position (GRCh38, 1-based): chr1:6,461,641, C>T on the plus strand (G>A on the coding strand, the complement: TNFRSF25 is on the minus strand). VCF-style: chr1-6461641-C-T. GRCh37 (hg19) VCF-style: chr1-6521701-C-T.
Other names: c.1074G>A, p.Glu358= (NM_148965.2); c.936G>A, p.Glu312= (NM_148966.2); c.912G>A, p.Glu304= (NM_148967.2); c.498G>A, p.Glu166= (NM_148970.2).
Identifiers: ClinVar variation 3050556 (VCV003050556.2), dbSNP rs149595085, ClinGen allele CA560636.
Genomic context (GRCh38, chr1:6,461,641, plus strand): 5'-GCCGATCTCCACCTCCACGGCTTCGATCTCTGCCTCGCGCAGCCCCAGCGTGCGCACGAA[C>T]TCCTTCCAGCGCCGCGCTGGGACCGCGTCCATCACGTCGTAGAGCTGCGGGCCCGGCTGC-3'
Protein context (NP_003781.1, residues 339-359): MDAVPARRWK[Glu349=]FVRTLGLREA

ClinVar aggregate classification (germline): Likely benign (0 of 4 stars; one submission).

Conditions:
TNFRSF25-related disorder. Also called: TNFRSF25-related condition.

Allele frequency attached by ClinVar (database versions not stated): ExAC 0.00028; gnomAD 0.00033; 1000 Genomes Project 0.00040; TOPMed 0.00043; 1000 Genomes Project 30x 0.00047; gnomAD exomes 0.00055; ESP Exome Variant Server 0.00069.

Submission:

PreventionGenetics, part of Exact Sciences
Classification: Likely benign for TNFRSF25-related condition. Last evaluated: 2019-11-12. Review status: no assertion criteria provided. Collection method: clinical testing. Allele origin: germline.
Comment: This variant is classified as likely benign based on ACMG/AMP sequence variant interpretation guidelines (Richards et al. 2015 PMID: 25741868, with internal and published modifications).